The following is an entry in ClinVar:

NM_018180.3(DHX32):c.1264C>G (p.Gln422Glu)

Genes: BCCIP (BRCA2 and CDKN1A interacting protein; plus strand), DHX32 (DEAH-box helicase 32 (putative); minus strand). Cytogenetic location: 10q26.2.
Variant type: single nucleotide variant.
Coding change: c.1264C>G on transcript NM_018180.3 (MANE Select); coding-DNA position 1264, C replaced by G.
Protein change: p.Gln422Glu; replaces glutamine 422 with glutamic acid.
Molecular consequence: missense variant. On other transcripts: intron variant (1).
Genome position (GRCh38, 1-based): chr10:125,852,380, G>C on the plus strand (C>G on the coding strand, the complement: DHX32 is on the minus strand). VCF-style: chr10-125852380-G-C. GRCh37 (hg19) VCF-style: chr10-127540949-G-C.
Other names: c.851-745G>C (NM_016567.4); short protein forms Q422E.
Identifiers: ClinVar variation 1379525 (VCV001379525.7), dbSNP rs566110537, ClinGen allele CA5739229.

ClinVar aggregate classification (germline): Uncertain significance. Review status: criteria provided, multiple submitters, no conflicts (2 of 4 stars). 2 submissions from 2 submitters: Uncertain significance (2). Last evaluated 2025-09-01.

Allele frequency attached by ClinVar (database versions not stated): gnomAD exomes 0.00003 and 0.00002; TOPMed 0.00002; 1000 Genomes Project 0.00020; 1000 Genomes Project 30x 0.00031; ExAC 0.00002; gnomAD 0.00002 and 0.00001.
gnomAD v4.1: 48 of 1,614,178 alleles (0.003%); highest among the groups gnomAD compares: Non-Finnish European, 0.0038%; no homozygotes.

Submissions (2):

Labcorp Genetics (formerly Invitae), Labcorp
Classification: Uncertain significance. Last evaluated: 2025-09-01. Review status: criteria provided, single submitter. Criteria: Invitae Variant Classification Sherloc (09022015). Collection method: clinical testing. Allele origin: germline.
Comment: This sequence change replaces glutamine, which is neutral and polar, with glutamic acid, which is acidic and polar, at codon 422 of the DHX32 protein (p.Gln422Glu). This variant is present in population databases (rs566110537, gnomAD 0.004%). This variant has not been reported in the literature in individuals affected with DHX32-related conditions. ClinVar contains an entry for this variant (Variation ID: 1379525). An algorithm developed to predict the effect of missense changes on protein structure and function (PolyPhen-2) suggests that this variant is likely to be tolerated. In summary, the available evidence is currently insufficient to determine the role of this variant in disease. Therefore, it has been classified as a Variant of Uncertain Significance.

Ambry Genetics
Classification: Uncertain significance. Last evaluated: 2025-04-20. Review status: criteria provided, single submitter. Criteria: Ambry Variant Classification Scheme 2023. Collection method: clinical testing. Allele origin: germline.